The following is an entry in ClinVar:

NM_003331.5(TYK2):c.2664C>G (p.Asp888Glu)

Gene: TYK2 (tyrosine kinase 2; minus strand). Cytogenetic location: 19p13.2.
Variant type: single nucleotide variant.
Coding change: c.2664C>G on transcript NM_003331.5 (MANE Select); coding-DNA position 2664, C replaced by G.
Protein change: p.Asp888Glu; replaces aspartic acid 888 with glutamic acid.
Molecular consequence: missense variant.
Genome position (GRCh38, 1-based): chr19:10,354,563, G>C on the plus strand (C>G on the coding strand, the complement: TYK2 is on the minus strand). VCF-style: chr19-10354563-G-C. GRCh37 (hg19) VCF-style: chr19-10465239-G-C.
Other names: c.2664C>G, p.Asp888Glu (NM_001385197.1, NM_001385198.1, NM_001406461.1); c.2478C>G, p.Asp826Glu (NM_001385199.1); c.2661C>G, p.Asp887Glu (NM_001385200.1); c.2466C>G, p.Asp822Glu (NM_001385201.1); c.2580C>G, p.Asp860Glu (NM_001385202.1); c.2745C>G, p.Asp915Glu (NM_001385203.1); c.2874C>G, p.Asp958Glu (NM_001385204.1); c.2574C>G, p.Asp858Glu (NM_001385205.1); and 2 more; short protein forms D822E, D887E, D888E, D858E, D860E, D882E, D958E, D915E.
Identifiers: ClinVar variation 2198249 (VCV002198249.1), dbSNP rs201456217, ClinGen allele CA9192966.
Genomic context (GRCh38, chr19:10,354,563, plus strand): 5'-GTCCCTCACCTCGCCCAGATCTCGGATCTTTTTCAAATAGCGCTTGTGGAAAACCGTAGG[G>C]TCCGACGCCGGTGAGTCCGGGTTCACAGTCAAGACGTCAGCAAGATCTGGAAGAGTTGCG-3'
Protein context (NP_003322.3, residues 878-898): LTVNPDSPAS[Asp888Glu]PTVFHKRYLK

ClinVar aggregate classification (germline): Uncertain significance (1 of 4 stars; one submission).

Conditions:
Immunodeficiency 35 (IMD35). Also called: TYK2 DEFICIENCY; Susceptibility to infection due to TYK2 deficiency; HIES WITH ATYPICAL MYCOBACTERIOSIS, AUTOSOMAL RECESSIVE; HYPER-IgE SYNDROME WITH ATYPICAL MYCOBACTERIOSIS, AUTOSOMAL RECESSIVE. Identifiers: Orphanet 331226, MedGen C1969086, MONDO:0012682, OMIM 611521.

gnomAD v4.1: 16 of 1,613,926 alleles (0.00099%); highest among the groups gnomAD compares: Non-Finnish European, 0.0014%; no homozygotes.

Submission:

Labcorp Genetics (formerly Invitae), Labcorp
Classification: Uncertain significance for Immunodeficiency 35. Last evaluated: 2022-06-30. Review status: criteria provided, single submitter. Criteria: Invitae Variant Classification Sherloc (09022015). Collection method: clinical testing. Allele origin: germline.
Comment: This sequence change replaces aspartic acid, which is acidic and polar, with glutamic acid, which is acidic and polar, at codon 888 of the TYK2 protein (p.Asp888Glu). This variant is present in population databases (rs201456217, gnomAD 0.002%). This variant has not been reported in the literature in individuals affected with TYK2-related conditions. Algorithms developed to predict the effect of missense changes on protein structure and function are either unavailable or do not agree on the potential impact of this missense change (SIFT: "Not Available"; PolyPhen-2: "Possibly Damaging"; Align-GVGD: "Not Available"). In summary, the available evidence is currently insufficient to determine the role of this variant in disease. Therefore, it has been classified as a Variant of Uncertain Significance.